The following is an entry in ClinVar:

NM_004281.4(BAG3):c.888C>A (p.His296Gln)

Gene: BAG3 (BAG cochaperone 3; plus strand). Cytogenetic location: 10q26.11.
Variant type: single nucleotide variant.
Coding change: c.888C>A on transcript NM_004281.4 (MANE Select); coding-DNA position 888, C replaced by A.
Protein change: p.His296Gln; replaces histidine 296 with glutamine.
Molecular consequence: missense variant.
Genome position (GRCh38, 1-based): chr10:119,672,635, C>A. VCF-style: chr10-119672635-C-A. GRCh37 (hg19) VCF-style: chr10-121432147-C-A.
Other names: short protein forms H296Q.
Identifiers: ClinVar variation 856672 (VCV000856672.9), dbSNP rs139399890, ClinGen allele CA378296089.

ClinVar aggregate classification (germline): Uncertain significance (1 of 4 stars; one submission).

Conditions:
Dilated cardiomyopathy 1HH (CMD1HH). Identifiers: Orphanet 154, MedGen C3151293, MONDO:0013479, OMIM 613881.
Myofibrillar myopathy 6. Identifiers: Orphanet 199340, MedGen C2751831, MONDO:0013061, OMIM 612954.

Submission:

Labcorp Genetics (formerly Invitae), Labcorp
Classification: Uncertain significance for Dilated cardiomyopathy 1HH; Myofibrillar myopathy 6. Last evaluated: 2019-02-22. Review status: criteria provided, single submitter. Criteria: Invitae Variant Classification Sherloc (09022015). Collection method: clinical testing. Allele origin: germline.
Comment: This sequence change replaces histidine with glutamine at codon 296 of the BAG3 protein (p.His296Gln). The histidine residue is moderately conserved and there is a small physicochemical difference between histidine and glutamine. This variant is not present in population databases (ExAC no frequency). This variant has not been reported in the literature in individuals with BAG3-related conditions. Algorithms developed to predict the effect of missense changes on protein structure and function output the following: SIFT: "Tolerated"; PolyPhen-2: "Benign"; Align-GVGD: "Class C0". The glutamine amino acid residue is found in multiple mammalian species, suggesting that this missense change does not adversely affect protein function. These predictions have not been confirmed by published functional studies and their clinical significance is uncertain. In summary, the available evidence is currently insufficient to determine the role of this variant in disease. Therefore, it has been classified as a Variant of Uncertain Significance.